The following is an entry in ClinVar:

NM_001684.5(ATP2B4):c.3309+5802C>T

Gene: ATP2B4 (ATPase plasma membrane Ca2+ transporting 4; plus strand). Cytogenetic location: 1q32.1.
Variant type: single nucleotide variant.
Coding change: c.3309+5802C>T on transcript NM_001684.5 (MANE Select); 5802 bases into the intron after coding-DNA position 3309, C replaced by T.
Molecular consequence: intron variant. On other transcripts: missense variant (3).
Genome position (GRCh38, 1-based): chr1:203,733,373, C>T. VCF-style: chr1-203733373-C-T. GRCh37 (hg19) VCF-style: chr1-203702501-C-T.
Other names: c.3460C>T, p.Pro1154Ser (NM_001001396.3, NM_001365783.2, NM_001365784.2); short protein forms P1154S.
Identifiers: ClinVar variation 3728535 (VCV003728535.2).

ClinVar aggregate classification (germline): Uncertain significance (1 of 4 stars; one submission).

gnomAD v4.1: 1 of 1,613,974 alleles (0.000062%); highest among the groups gnomAD compares: South Asian, 0.0011%; no homozygotes.

Submission:

Labcorp Genetics (formerly Invitae), Labcorp
Classification: Uncertain significance. Last evaluated: 2025-01-06. Review status: criteria provided, single submitter. Criteria: Invitae Variant Classification Sherloc (09022015). Collection method: clinical testing. Allele origin: germline.
Comment: This sequence change replaces proline, which is neutral and non-polar, with serine, which is neutral and polar, at codon 1154 of the ATP2B4 protein (p.Pro1154Ser). This variant is present in population databases (rs745307587, gnomAD 0.003%). This variant has not been reported in the literature in individuals affected with ATP2B4-related conditions. An algorithm developed to predict the effect of missense changes on protein structure and function (PolyPhen-2) suggests that this variant is likely to be tolerated. In summary, the available evidence is currently insufficient to determine the role of this variant in disease. Therefore, it has been classified as a Variant of Uncertain Significance.